The following is an entry in ClinVar:

ClinVar aggregate classification (germline): Benign. Review status: criteria provided, multiple submitters, no conflicts (2 of 4 stars). 3 submissions from 3 submitters: Benign (3). Last evaluated 2026-02-04.

Allele frequency attached by ClinVar (database versions not stated): TOPMed 0.84953; gnomAD 0.85014 and 0.84038; ExAC 0.80887; 1000 Genomes Project 30x 0.76562; gnomAD exomes 0.84933 and 0.80403; 1000 Genomes Project 0.75919; ESP Exome Variant Server 0.87371.
gnomAD v4.1: 1,365,755 of 1,610,506 alleles (85%); highest among the groups gnomAD compares: African/African-American, 89%; 582,863 homozygotes.

Submissions (3):

Labcorp Genetics (formerly Invitae), Labcorp
Classification: Benign. Last evaluated: 2026-02-04. Review status: criteria provided, single submitter. Criteria: Invitae Variant Classification Sherloc (09022015). Collection method: clinical testing. Allele origin: germline.

GeneDx
Classification: Benign. Last evaluated: 2020-01-07. Review status: criteria provided, single submitter. Criteria: GeneDx Variant Classification Process June 2021. Collection method: clinical testing. Allele origin: germline. Affected: yes.
Comment: This variant is associated with the following publications: (PMID: 27516387, 27182959, 19592705)

Breakthrough Genomics
Classification: Benign. Review status: criteria provided, single submitter. Criteria: ACMG Guidelines, 2015. Collection method: not provided. Allele origin: germline. Inheritance: Unknown mechanism. Affected: yes.

NM_000482.4(APOA4):c.440G>A (p.Ser147Asn)

Gene: APOA4 (apolipoprotein A4; minus strand). Cytogenetic location: 11q23.3.
Variant type: single nucleotide variant.
Coding change: c.440G>A on transcript NM_000482.4 (MANE Select); coding-DNA position 440, G replaced by A.
Protein change: p.Ser147Asn; replaces serine 147 with asparagine.
Molecular consequence: missense variant.
Genome position (GRCh38, 1-based): chr11:116,821,618, C>T on the plus strand (G>A on the coding strand, the complement: APOA4 is on the minus strand). VCF-style: chr11-116821618-C-T. GRCh37 (hg19) VCF-style: chr11-116692334-C-T.
Other names: short protein forms S147N.
Identifiers: ClinVar variation 1268136 (VCV001268136.11), dbSNP rs5104, ClinGen allele CA6289428.